The following is an entry in ClinVar:

NM_012476.3(VAX2):c.162C>T (p.Pro54=)

Gene: VAX2 (ventral anterior homeobox 2; plus strand). Cytogenetic location: 2p13.3.
Variant type: single nucleotide variant.
Coding change: c.162C>T on transcript NM_012476.3 (MANE Select); coding-DNA position 162, C replaced by T.
Protein change: p.Pro54=; no amino-acid change (proline 54 retained).
Molecular consequence: synonymous variant.
Genome position (GRCh38, 1-based): chr2:70,900,783, C>T. VCF-style: chr2-70900783-C-T. GRCh37 (hg19) VCF-style: chr2-71127913-C-T.
Identifiers: ClinVar variation 3771688 (VCV003771688.13).
Genomic context (GRCh38, chr2:70,900,783, plus strand): 5'-GCGAGCTGATGGCGGTGGCCACAGCCCAACGGAGGTGGCCGGGACCTCAGCCTCCAGTCC[C>T]GCAGGCTCCAGGGAGAGTGGAGCCGACAGCGACGGGCAGCCCGGGCCCGGCGAGGCAGAC-3'
Protein context (NP_036608.1, residues 44-64): TEVAGTSASS[Pro54=]AGSRESGADS

ClinVar aggregate classification (germline): Likely benign (1 of 4 stars; one submission).

gnomAD v4.1: 1 of 1,498,788 alleles (0.000067%); highest among the groups gnomAD compares: Non-Finnish European, 0.000089%; no homozygotes.

Submission:

CeGaT Center for Human Genetics Tuebingen
Classification: Likely benign. Last evaluated: 2025-01-01. Review status: criteria provided, single submitter. Criteria: CeGaT Center For Human Genetics Tuebingen Variant Classification Criteria Version 2. Collection method: clinical testing. Allele origin: germline. Affected: yes. Observed: 1 variant allele.
Comment: VAX2: BP4, BP7